The following is an entry in ClinVar:

ClinVar aggregate classification (germline): Likely benign (1 of 4 stars; one submission).

gnomAD v4.1: 212 of 1,609,854 alleles (0.013%); highest among the groups gnomAD compares: Middle Eastern, 0.23%; no homozygotes.

Submission:

CeGaT Center for Human Genetics Tuebingen
Classification: Likely benign. Last evaluated: 2024-08-01. Review status: criteria provided, single submitter. Criteria: CeGaT Center For Human Genetics Tuebingen Variant Classification Criteria Version 2. Collection method: clinical testing. Allele origin: germline. Affected: yes. Observed: 1 variant allele.
Comment: RALGAPA1: BP4, BP7

NM_001346249.2(RALGAPA1):c.9C>T (p.Ser3=)

Gene: RALGAPA1 (Ral GTPase activating protein catalytic subunit alpha 1; minus strand). Cytogenetic location: 14q13.2.
Variant type: single nucleotide variant.
Coding change: c.9C>T on transcript NM_001346249.2 (MANE Select); coding-DNA position 9, C replaced by T.
Protein change: p.Ser3=; no amino-acid change (serine 3 retained).
Molecular consequence: synonymous variant.
Genome position (GRCh38, 1-based): chr14:35,808,827, G>A on the plus strand (C>T on the coding strand, the complement: RALGAPA1 is on the minus strand). VCF-style: chr14-35808827-G-A. GRCh37 (hg19) VCF-style: chr14-36278033-G-A.
Other names: c.9C>T, p.Ser3= (NM_001283043.3, NM_001283044.3, NM_001330075.3 and 7 more transcripts).
Identifiers: ClinVar variation 3341725 (VCV003341725.16).
Genomic context (GRCh38, chr14:35,808,827, plus strand): 5'-GTCCTTCTTGGTGTCTAGCACCTTCTGGGTGGACTTCTTCACGTCCCCGTGCGGCTTCTT[G>A]GAGAACATCCTGTCGCTGCCACTGCCACTGCCACTGCCACAGCCGGCTCCCAGCCGGGTC-3'
Protein context (NP_001333178.1, residues 1-13): MF[Ser3=]KKPHGDVKKS